The following is an entry in ClinVar:

NM_000321.3(RB1):c.657G>A (p.Met219Ile)

Gene: RB1 (RB transcriptional corepressor 1; plus strand). Cytogenetic location: 13q14.2.
Variant type: single nucleotide variant.
Coding change: c.657G>A on transcript NM_000321.3 (MANE Select); coding-DNA position 657, G replaced by A.
Protein change: p.Met219Ile; replaces methionine 219 with isoleucine.
Molecular consequence: missense variant.
Genome position (GRCh38, 1-based): chr13:48,360,066, G>A. VCF-style: chr13-48360066-G-A. GRCh37 (hg19) VCF-style: chr13-48934202-G-A.
Other names: c.657G>A, p.Met219Ile (NM_001407165.1, NM_001407166.1); short protein forms M219I.
Identifiers: ClinVar variation 3901587 (VCV003901587.2).
Genomic context (GRCh38, chr13:48,360,066, plus strand): 5'-TTTTTTTTCAGGGGAAGTATTACAAATGGAAGATGATCTGGTGATTTCATTTCAGTTAAT[G>A]CTATGTGTCCTTGACTATTTTATTAAACTCTCACCTCCCATGTTGCTCAAAGAACCATAT-3'
Protein context (NP_000312.2, residues 209-229): EDDLVISFQL[Met219Ile]LCVLDYFIKL

ClinVar aggregate classification (germline): Uncertain significance. Review status: criteria provided, multiple submitters, no conflicts (2 of 4 stars). 2 submissions from 2 submitters: Uncertain significance (2). Last evaluated 2025-06-11.

Conditions:
Retinoblastoma (RB1). Also called: RETINOBLASTOMA, SOMATIC. Identifiers: Orphanet 790, MedGen C0035335, MeSH D012175, MONDO:0008380, OMIM 180200, HP:0009919. Disease mechanism: loss of function. Inheritance: Both sporadic and heritable forms are tested..

Submissions (2):

Labcorp Genetics (formerly Invitae), Labcorp
Classification: Uncertain significance for Retinoblastoma. Last evaluated: 2025-06-11. Review status: criteria provided, single submitter. Criteria: Invitae Variant Classification Sherloc (09022015). Collection method: clinical testing. Allele origin: germline.
Comment: This sequence change replaces methionine, which is neutral and non-polar, with isoleucine, which is neutral and non-polar, at codon 219 of the RB1 protein (p.Met219Ile). This variant is not present in population databases (gnomAD no frequency). This variant has not been reported in the literature in individuals affected with RB1-related conditions. Invitae Evidence Modeling of protein sequence and biophysical properties (such as structural, functional, and spatial information, amino acid conservation, physicochemical variation, residue mobility, and thermodynamic stability) indicates that this missense variant is not expected to disrupt RB1 protein function with a negative predictive value of 80%. In summary, the available evidence is currently insufficient to determine the role of this variant in disease. Therefore, it has been classified as a Variant of Uncertain Significance.

GeneDx
Classification: Uncertain significance. Last evaluated: 2024-11-26. Review status: criteria provided, single submitter. Criteria: GeneDx Variant Classification Process June 2021. Collection method: clinical testing. Allele origin: germline. Affected: yes.
Comment: Not observed at significant frequency in large population cohorts (gnomAD); In silico analysis indicates that this missense variant does not alter protein structure/function; Has not been previously published as pathogenic or benign to our knowledge; This variant is associated with the following publications: (PMID: 23516486)